The following is an entry in ClinVar:

NM_016239.4(MYO15A):c.8047G>A (p.Gly2683Ser)

Gene: MYO15A (myosin XVA; plus strand). Cytogenetic location: 17p11.2.
Variant type: single nucleotide variant.
Coding change: c.8047G>A on transcript NM_016239.4 (MANE Select); coding-DNA position 8047, G replaced by A.
Protein change: p.Gly2683Ser; replaces glycine 2683 with serine.
Molecular consequence: missense variant.
Genome position (GRCh38, 1-based): chr17:18,153,855, G>A. VCF-style: chr17-18153855-G-A. GRCh37 (hg19) VCF-style: chr17-18057169-G-A.
Other names: c.8047G>A (NM_016239.3); short protein forms G2683S.
Identifiers: ClinVar variation 2904889 (VCV002904889.5), dbSNP rs554073560, ClinGen allele CA8425001.
Genomic context (GRCh38, chr17:18,153,855, plus strand): 5'-GAGCCCCCTGAGGAACTCACGCAGACGCGGCTGCACCGCCTCATCAATCCCAACTTCTAC[G>A]GCTATCAGGACGCCCCCTGGAAGATCTTCCTGCGCAAAGAGGTGCCGAGCACAGCCGTAG-3'
Protein context (NP_057323.3, residues 2673-2693): LHRLINPNFY[Gly2683Ser]YQDAPWKIFL

ClinVar aggregate classification (germline): Uncertain significance. Review status: criteria provided, multiple submitters, no conflicts (2 of 4 stars). 2 submissions from 2 submitters: Uncertain significance (2). Last evaluated 2025-06-27.

Allele frequency attached by ClinVar (database versions not stated): gnomAD exomes below 0.00001; 1000 Genomes Project 30x 0.00016; 1000 Genomes Project 0.00020.
gnomAD v4.1: 11 of 1,613,596 alleles (0.00068%); highest among the groups gnomAD compares: Middle Eastern, 0.016%; no homozygotes.

Submissions (2):

Labcorp Genetics (formerly Invitae), Labcorp
Classification: Uncertain significance. Last evaluated: 2025-06-27. Review status: criteria provided, single submitter. Criteria: Invitae Variant Classification Sherloc (09022015). Collection method: clinical testing. Allele origin: germline.
Comment: This sequence change replaces glycine, which is neutral and non-polar, with serine, which is neutral and polar, at codon 2683 of the MYO15A protein (p.Gly2683Ser). This variant is present in population databases (rs554073560, gnomAD no frequency). This variant has not been reported in the literature in individuals affected with MYO15A-related conditions. ClinVar contains an entry for this variant (Variation ID: 2904889). Invitae Evidence Modeling of protein sequence and biophysical properties (such as structural, functional, and spatial information, amino acid conservation, physicochemical variation, residue mobility, and thermodynamic stability) indicates that this missense variant is not expected to disrupt MYO15A protein function with a negative predictive value of 95%. In summary, the available evidence is currently insufficient to determine the role of this variant in disease. Therefore, it has been classified as a Variant of Uncertain Significance.

GeneDx
Classification: Uncertain significance. Last evaluated: 2024-11-15. Review status: criteria provided, single submitter. Criteria: GeneDx Variant Classification Process June 2021. Collection method: clinical testing. Allele origin: germline.
Comment: Not observed at significant frequency in large population cohorts (gnomAD); In silico analysis indicates that this missense variant does not alter protein structure/function; Has not been previously published as pathogenic or benign to our knowledge